The following is an entry in ClinVar:

NM_000264.5(PTCH1):c.2174C>G (p.Pro725Arg)

Genes: PTCH1 (patched 1; minus strand), LOC100507346 (uncharacterized LOC100507346; plus strand). Cytogenetic location: 9q22.32.
Variant type: single nucleotide variant.
Coding change: c.2174C>G on transcript NM_000264.5 (MANE Select); coding-DNA position 2174, C replaced by G.
Protein change: p.Pro725Arg; replaces proline 725 with arginine.
Molecular consequence: missense variant. On other transcripts: non-coding transcript variant (2).
Genome position (GRCh38, 1-based): chr9:95,468,827, G>C on the plus strand (C>G on the coding strand, the complement: PTCH1 is on the minus strand). VCF-style: chr9-95468827-G-C. GRCh37 (hg19) VCF-style: chr9-98231109-G-C.
Other names: c.1976C>G, p.Pro659Arg (NM_001083602.3); c.2171C>G, p.Pro724Arg (NM_001083603.3); c.1721C>G, p.Pro574Arg (NM_001083604.3, NM_001083605.3, NM_001083606.3 and 1 more transcripts); c.2018C>G, p.Pro673Arg (NM_001354918.2); short protein forms P659R, P725R, P574R, P724R, P673R.
Identifiers: ClinVar variation 409209 (VCV000409209.13), dbSNP rs963297092, ClinGen allele CA16612928.
Genomic context (GRCh38, chr9:95,468,827, plus strand): 5'-AAGAGGAAAGGAGCATAGTGCTTCTCAGCAAAAGATGAGAGTGTCCACTTCGTACAGGGG[G>C]GCTCGAGGCAGTGGAGGCTGGAGTCGGAGAACTGGGAGAGCAGGTCCCTTGTGGAGCTGG-3'
Protein context (NP_000255.2, residues 715-735): FSDSSLHCLE[Pro725Arg]PCTKWTLSSF

ClinVar aggregate classification (germline): Conflicting classifications of pathogenicity. Review status: criteria provided, conflicting classifications (1 of 4 stars). 4 submissions from 4 submitters: Uncertain significance (3); Benign (1). Last evaluated 2026-01-19.

Conditions:
Hereditary cancer-predisposing syndrome. Also called: Hereditary neoplastic syndrome; Neoplastic Syndromes, Hereditary; Tumor predisposition; Hereditary Cancer Syndrome. Identifiers: Orphanet 140162, MedGen C0027672, MeSH D009386, MONDO:0015356.
Basal cell nevus syndrome 1 (BCNS1). Also called: GORLIN-GOLTZ SYNDROME; MULTIPLE BASAL CELL NEVI, ODONTOGENIC KERATOCYSTS, AND SKELETAL ANOMALIES. Identifiers: MedGen CN376810, MONDO:0958174, OMIM 109400.
Gorlin syndrome. Also called: Nevoid Basal Cell Carcinoma Syndrome; Basal cell nevus syndrome. Identifiers: Orphanet 377, MedGen C0004779, MONDO:0007187.
Basal cell carcinoma, susceptibility to, 1. Also called: BCC1. Identifiers: MedGen C2751544, MONDO:0011556, OMIM 605462.
Holoprosencephaly 7 (HPE7). Identifiers: Orphanet 2162, MedGen C1835820, MONDO:0012562, OMIM 610828.

Allele frequency attached by ClinVar (database versions not stated): gnomAD exomes 0.00001; TOPMed 0.00001.
gnomAD v4.1: 24 of 1,614,170 alleles (0.0015%); highest among the groups gnomAD compares: South Asian, 0.0022%; no homozygotes.

Submissions (4):

Labcorp Genetics (formerly Invitae), Labcorp
Classification: Benign for Gorlin syndrome. Last evaluated: 2026-01-19. Review status: criteria provided, single submitter. Criteria: Invitae Variant Classification Sherloc (09022015). Collection method: clinical testing. Allele origin: germline.

Fulgent Genetics
Classification: Uncertain significance for Basal cell nevus syndrome 1; Basal cell carcinoma, susceptibility to, 1; Holoprosencephaly 7. Last evaluated: 2024-06-14. Review status: criteria provided, single submitter. Criteria: ACMG Guidelines, 2015. Collection method: clinical testing. Allele origin: germline.

St. Jude Molecular Pathology, St. Jude Children's Research Hospital
Classification: Uncertain significance for Basal cell nevus syndrome 1. Last evaluated: 2024-02-06. Review status: criteria provided, single submitter. Criteria: St. Jude Assertion Criteria 2020. Collection method: clinical testing. Allele origin: germline.
Comment: The PTCH1 c.2174C>G (p.Pro725Arg) missense change has a maximum subpopulation frequency of 0.006% in gnomAD v2.1.1. The in silico tool REVEL is inconclusive about a pathogenic or benign effect of this variant on protein function, and functional studies have not been performed. This variant has not been reported in individuals with nevoid basal cell carcinoma syndrome. In summary, the evidence currently available is insufficient to determine the clinical significance of this variant. It has therefore been classified as of uncertain significance.

Ambry Genetics
Classification: Uncertain significance for Hereditary cancer-predisposing syndrome. Last evaluated: 2023-12-26. Review status: criteria provided, single submitter. Criteria: Ambry Variant Classification Scheme 2023. Collection method: clinical testing. Allele origin: germline.
Comment: The p.P725R variant (also known as c.2174C>G), located in coding exon 14 of the PTCH1 gene, results from a C to G substitution at nucleotide position 2174. The proline at codon 725 is replaced by arginine, an amino acid with dissimilar properties. This amino acid position is well conserved in available vertebrate species. In addition, the in silico prediction for this alteration is inconclusive. Since supporting evidence is limited at this time, the clinical significance of this alteration remains unclear.